The following is an entry in ClinVar:

NM_020975.6(RET):c.203T>A (p.Leu68Gln)

Gene: RET (ret proto-oncogene; plus strand). Cytogenetic location: 10q11.21.
Variant type: single nucleotide variant.
Coding change: c.203T>A on transcript NM_020975.6 (MANE Select); coding-DNA position 203, T replaced by A.
Protein change: p.Leu68Gln; replaces leucine 68 with glutamine.
Molecular consequence: missense variant.
Genome position (GRCh38, 1-based): chr10:43,100,588, T>A. VCF-style: chr10-43100588-T-A. GRCh37 (hg19) VCF-style: chr10-43596036-T-A.
Other names: c.203T>A, p.Leu68Gln (NM_000323.2, NM_001406743.1, NM_001406744.1 and 34 more transcripts); short protein forms L68Q.
Identifiers: ClinVar variation 1784885 (VCV001784885.2), dbSNP rs2492118567, ClinGen allele CA376770303.
Genomic context (GRCh38, chr10:43,100,588, plus strand): 5'-CGCCCTTGCTGTACGTCCATGCCCTGCGGGACGCCCCTGAGGAGGTGCCCAGCTTCCGCC[T>A]GGGCCAGCATCTCTACGGCACGTACCGCACACGGCTGCATGAGAACAACTGGATCTGCAT-3'
Protein context (NP_066124.1, residues 58-78): DAPEEVPSFR[Leu68Gln]GQHLYGTYRT

ClinVar aggregate classification (germline): Uncertain significance (1 of 4 stars; one submission).

Conditions:
Hereditary cancer-predisposing syndrome. Also called: Neoplastic Syndromes, Hereditary; Tumor predisposition; Hereditary Cancer Syndrome; Hereditary neoplastic syndrome. Identifiers: Orphanet 140162, MedGen C0027672, MeSH D009386, MONDO:0015356.

Submission:

Ambry Genetics
Classification: Uncertain significance for Hereditary cancer-predisposing syndrome. Last evaluated: 2019-04-30. Review status: criteria provided, single submitter. Criteria: Ambry Variant Classification Scheme 2023. Collection method: clinical testing. Allele origin: germline.
Comment: The p.L68Q variant (also known as c.203T>A), located in coding exon 2 of the RET gene, results from a T to A substitution at nucleotide position 203. The leucine at codon 68 is replaced by glutamine, an amino acid with dissimilar properties. This amino acid position is highly conserved in available vertebrate species. In addition, this alteration is predicted to be deleterious by in silico analysis. Since supporting evidence is limited at this time, the clinical significance of this alteration remains unclear.